The following is an entry in ClinVar:

ClinVar aggregate classification (germline): Uncertain significance (1 of 4 stars; one submission).

Conditions:
Inborn genetic diseases. Identifiers: MedGen C0950123, MeSH D030342.

Submission:

Ambry Genetics
Classification: Uncertain significance for Inborn genetic diseases. Last evaluated: 2021-08-13. Review status: criteria provided, single submitter. Criteria: Ambry Variant Classification Scheme 2023. Collection method: clinical testing. Allele origin: germline.
Comment: The p.S83L variant (also known as c.248C>T), located in coding exon 3 of the LRRK2 gene, results from a C to T substitution at nucleotide position 248. The serine at codon 83 is replaced by leucine, an amino acid with dissimilar properties. This amino acid position is conserved. In addition, the in silico prediction for this alteration is inconclusive. Since supporting evidence is limited at this time, the clinical significance of this alteration remains unclear.

NM_198578.4(LRRK2):c.248C>T (p.Ser83Leu)

Gene: LRRK2 (leucine rich repeat kinase 2; plus strand). Cytogenetic location: 12q12.
Variant type: single nucleotide variant.
Coding change: c.248C>T on transcript NM_198578.4 (MANE Select); coding-DNA position 248, C replaced by T.
Protein change: p.Ser83Leu; replaces serine 83 with leucine.
Molecular consequence: missense variant.
Genome position (GRCh38, 1-based): chr12:40,232,284, C>T. VCF-style: chr12-40232284-C-T. GRCh37 (hg19) VCF-style: chr12-40626086-C-T.
Other names: short protein forms S83L.
Identifiers: ClinVar variation 1792046 (VCV001792046.2), dbSNP rs2499381035, ClinGen allele CA384401278.